The following is an entry in ClinVar:

ClinVar aggregate classification (germline): Likely pathogenic. Review status: criteria provided, single submitter (1 of 4 stars). 2 submissions from 2 submitters: Likely pathogenic (1). 1 of the submissions does not count toward it. Last evaluated 2025-12-30.

Conditions:
Joubert syndrome. Also called: JOUBERT-BOLTSHAUSER SYNDROME; Familial aplasia of the vermis. Identifiers: Orphanet 475, MedGen C5979921, MONDO:0018772.
Meckel-Gruber syndrome. Also called: DYSENCEPHALIA SPLANCHNOCYSTICA; GRUBER SYNDROME; Dysencephalia splachnocystica. Identifiers: Orphanet 564, MedGen C0265215, MONDO:0018921.
CC2D2A-related disorder. Also called: CC2D2A-related disorders; CC2D2A-related condition. Identifiers: MedGen CN239313.

gnomAD v4.1: 1 of 1,564,786 alleles (0.000064%); highest among the groups gnomAD compares: Admixed American, 0.0018%; no homozygotes.

Submissions (2):

Labcorp Genetics (formerly Invitae), Labcorp
Classification: Likely pathogenic for Joubert syndrome; Meckel-Gruber syndrome. Last evaluated: 2025-12-30. Review status: criteria provided, single submitter. Criteria: Invitae Variant Classification Sherloc (09022015). Collection method: clinical testing. Allele origin: germline.
Comment: This sequence change affects a donor splice site in intron 32 of the CC2D2A gene. It is expected to disrupt RNA splicing. Variants that disrupt the donor or acceptor splice site typically lead to a loss of protein function (PMID: 16199547), and loss-of-function variants in CC2D2A are known to be pathogenic (PMID: 19777577). This variant is present in population databases (no rsID available, gnomAD 0.003%). This variant has not been reported in the literature in individuals affected with CC2D2A-related conditions. ClinVar contains an entry for this variant (Variation ID: 3345993). Algorithms developed to predict the effect of sequence changes on RNA splicing suggest that this variant may disrupt the consensus splice site. In summary, the currently available evidence indicates that the variant is pathogenic, but additional data are needed to prove that conclusively. Therefore, this variant has been classified as Likely Pathogenic.

PreventionGenetics, part of Exact Sciences
Classification: Likely pathogenic for CC2D2A-related condition. Last evaluated: 2024-05-24. Review status: no assertion criteria provided. Collection method: clinical testing. Allele origin: germline. Not counted in ClinVar's aggregate classification.
Comment: The CC2D2A c.4065+1G>T variant is predicted to disrupt the GT donor site and interfere with normal splicing. To our knowledge, this variant has not been reported in literature. This variant is reported in 0.0034% of alleles in individuals of Latino descent in gnomAD. Variants that disrupt the consensus splice donor site in CC2D2A are expected to be pathogenic. This variant is interpreted as likely pathogenic.

Literature cited by the submitters: PubMed 16199547 (cited by Labcorp Genetics (formerly Invitae), Labcorp); PubMed 19777577 (cited by Labcorp Genetics (formerly Invitae), Labcorp).

NM_001378615.1(CC2D2A):c.4065+1G>T

Genes: CC2D2A (coiled-coil and C2 domain containing 2A; plus strand), FBXL5 (F-box and leucine rich repeat protein 5; minus strand). Cytogenetic location: 4p15.32.
Variant type: single nucleotide variant.
Coding change: c.4065+1G>T on transcript NM_001378615.1 (MANE Select); the canonical splice donor site of the intron after coding-DNA position 4065, G replaced by T.
Molecular consequence: splice donor variant.
Genome position (GRCh38, 1-based): chr4:15,586,247, G>T. VCF-style: chr4-15586247-G-T. GRCh37 (hg19) VCF-style: chr4-15587870-G-T.
Other names: c.4065+1G>T (NM_001080522.2); c.3918+1G>T (NM_001378617.1).
Identifiers: ClinVar variation 3345993 (VCV003345993.3).